The following is an entry in ClinVar:

ClinVar aggregate classification (germline): Likely benign. Review status: criteria provided, multiple submitters, no conflicts (2 of 4 stars). 3 submissions from 3 submitters: Likely benign (3). Last evaluated 2026-01-21.

Conditions:
Charcot-Marie-Tooth disease dominant intermediate B (CMTDIB). Also called: CHARCOT-MARIE-TOOTH NEUROPATHY, DOMINANT INTERMEDIATE B; Charcot-Marie-Tooth disease dominant intermediate 1; CMT DI1; Charcot-Marie-Tooth disease dominant intermediate I. Identifiers: Orphanet 100044, Orphanet 228179, MedGen C1847902, MONDO:0011674, OMIM 606482.

Allele frequency attached by ClinVar (database versions not stated): gnomAD 0.00004 and 0.00005; TOPMed 0.00008; ExAC 0.00010; gnomAD exomes 0.00010 and 0.00012; 1000 Genomes Project 0.00040; 1000 Genomes Project 30x 0.00078.
gnomAD v4.1: 186 of 1,610,862 alleles (0.012%); highest among the groups gnomAD compares: South Asian, 0.021%; no homozygotes.

Submissions (3):

Labcorp Genetics (formerly Invitae), Labcorp
Classification: Likely benign for Charcot-Marie-Tooth disease dominant intermediate B. Last evaluated: 2026-01-21. Review status: criteria provided, single submitter. Criteria: Invitae Variant Classification Sherloc (09022015). Collection method: clinical testing. Allele origin: germline.

ARUP Laboratories, Molecular Genetics and Genomics, ARUP Laboratories
Classification: Likely benign. Last evaluated: 2020-11-14. Review status: criteria provided, single submitter. Criteria: ARUP Molecular Germline Variant Investigation Process 2021. Collection method: clinical testing. Allele origin: germline.

GeneDx
Classification: Likely benign. Last evaluated: 2017-09-18. Review status: criteria provided, single submitter. Criteria: GeneDx Variant Classification (06012015). Collection method: clinical testing. Allele origin: germline. Affected: yes.
Comment: This variant is considered likely benign or benign based on one or more of the following criteria: it is a conservative change, it occurs at a poorly conserved position in the protein, it is predicted to be benign by multiple in silico algorithms, and/or has population frequency not consistent with disease.

NM_001005361.3(DNM2):c.1893+17C>T

Gene: DNM2 (dynamin 2; plus strand). Cytogenetic location: 19p13.2.
Variant type: single nucleotide variant.
Coding change: c.1893+17C>T on transcript NM_001005361.3 (MANE Select); 17 bases into the intron after coding-DNA position 1893, C replaced by T.
Molecular consequence: intron variant.
Genome position (GRCh38, 1-based): chr19:10,823,916, C>T. VCF-style: chr19-10823916-C-T. GRCh37 (hg19) VCF-style: chr19-10934592-C-T.
Other names: c.1893+17C>T (NM_001005360.3, NM_001190716.2); c.1881+17C>T (NM_004945.4, NM_001005362.3).
Identifiers: ClinVar variation 385420 (VCV000385420.16), dbSNP rs45585238, ClinGen allele CA9201429.